The following is an entry in ClinVar:

NM_130384.3(ATRIP):c.1867C>A (p.Leu623Ile)

Genes: ATRIP (ATR interacting protein; plus strand), ATRIP-TREX1 (ATRIP-TREX1 readthrough; plus strand). Cytogenetic location: 3p21.31.
Variant type: single nucleotide variant.
Coding change: c.1867C>A on transcript NM_130384.3 (MANE Select); coding-DNA position 1867, C replaced by A.
Protein change: p.Leu623Ile; replaces leucine 623 with isoleucine.
Molecular consequence: missense variant. On other transcripts: non-coding transcript variant (1).
Genome position (GRCh38, 1-based): chr3:48,463,866, C>A. VCF-style: chr3-48463866-C-A. GRCh37 (hg19) VCF-style: chr3-48505265-C-A.
Other names: c.1486C>A, p.Leu496Ile (NM_001271022.2); c.1588C>A, p.Leu530Ile (NM_001271023.2); c.1867C>A, p.Leu623Ile (NM_032166.4); short protein forms L530I, L623I, L496I.
Identifiers: ClinVar variation 3976623 (VCV003976623.1).

ClinVar aggregate classification (germline): Uncertain significance (1 of 4 stars; one submission).

Submission:

Ambry Genetics
Classification: Uncertain significance. Last evaluated: 2025-05-17. Review status: criteria provided, single submitter. Criteria: Ambry Variant Classification Scheme 2023. Collection method: clinical testing. Allele origin: germline.
Comment: The p.L623I variant (also known as c.1867C>A), located in coding exon 9 of the ATRIP gene, results from a C to A substitution at nucleotide position 1867. The leucine at codon 623 is replaced by isoleucine, an amino acid with highly similar properties. This amino acid position is conserved. In addition, this alteration is predicted to be tolerated by in silico analysis. Based on the available evidence, the clinical significance of this variant remains unclear.